The following is an entry in ClinVar:

NM_002524.5(NRAS):c.*346G>A

Gene: NRAS (NRAS proto-oncogene, GTPase; minus strand). Cytogenetic location: 1p13.2.
Variant type: single nucleotide variant.
Coding change: c.*346G>A on transcript NM_002524.5 (MANE Select); 346 bases downstream of the stop codon, G replaced by A.
Molecular consequence: 3 prime UTR variant.
Genome position (GRCh38, 1-based): chr1:114,707,748, C>T on the plus strand (G>A on the coding strand, the complement: NRAS is on the minus strand). VCF-style: chr1-114707748-C-T. GRCh37 (hg19) VCF-style: chr1-115250369-C-T.
Identifiers: ClinVar variation 291973 (VCV000291973.6), dbSNP rs9724642, ClinGen allele CA10607699.

ClinVar aggregate classification (germline): Benign. Review status: criteria provided, multiple submitters, no conflicts (2 of 4 stars). 2 submissions from 2 submitters: Benign (2). Last evaluated 2018-01-13.

Conditions:
Noonan syndrome 6 (NS6). Also called: NRAS-Related Noonan Syndrome. Identifiers: Orphanet 648, MedGen C2750732, MONDO:0013186, OMIM 613224.

Allele frequency attached by ClinVar (database versions not stated): TOPMed 0.00053; 1000 Genomes Project 30x 0.01468; 1000 Genomes Project 0.01538.

Submissions (2):

Illumina Laboratory Services, Illumina
Classification: Benign for Noonan syndrome 6. Last evaluated: 2018-01-13. Review status: criteria provided, single submitter. Criteria: ICSL Variant Classification Criteria 13 December 2019. Collection method: clinical testing. Allele origin: germline.
Comment: This variant was observed in the ICSL laboratory as part of a predisposition screen in an ostensibly healthy population. It had not been previously curated by ICSL or reported in the Human Gene Mutation Database (HGMD: prior to June 1st, 2018), and was therefore a candidate for classification through an automated scoring system. Utilizing variant allele frequency, disease prevalence and penetrance estimates, and inheritance mode, an automated score was calculated to assess if this variant is too frequent to cause the disease. Based on the score and internal cut-off values, a variant classified as benign is not then subjected to further curation. The score for this variant resulted in a classification of benign for this disease.

Breakthrough Genomics
Classification: Benign. Review status: criteria provided, single submitter. Criteria: ACMG Guidelines, 2015. Collection method: not provided. Allele origin: germline. Inheritance: Autosomal dominant inheritance. Affected: yes.